The following is an entry in ClinVar:

NM_001131016.2(CIZ1):c.535C>T (p.Arg179Trp)

Gene: CIZ1 (CDKN1A interacting zinc finger protein 1; minus strand). Cytogenetic location: 9q34.11.
Variant type: single nucleotide variant.
Coding change: c.535C>T on transcript NM_001131016.2 (MANE Select); coding-DNA position 535, C replaced by T.
Protein change: p.Arg179Trp; replaces arginine 179 with tryptophan.
Molecular consequence: missense variant.
Genome position (GRCh38, 1-based): chr9:128,185,600, G>A on the plus strand (C>T on the coding strand, the complement: CIZ1 is on the minus strand). VCF-style: chr9-128185600-G-A. GRCh37 (hg19) VCF-style: chr9-130947879-G-A.
Other names: c.535C>T, p.Arg179Trp (NM_001131015.2, NM_001131017.2, NM_012127.3); c.463C>T, p.Arg155Trp (NM_001131018.2); c.625C>T, p.Arg209Trp (NM_001257975.2); c.232C>T, p.Arg78Trp (NM_001257976.2); short protein forms R209W, R78W, R155W, R179W.
Identifiers: ClinVar variation 1409417 (VCV001409417.8), dbSNP rs150582882, ClinGen allele CA5257564.

ClinVar aggregate classification (germline): Uncertain significance (1 of 4 stars; one submission).

Conditions:
Dystonic disorder. Also called: Dystonia. Identifiers: MedGen C0013421, MONDO:0003441, HP:0001332.

Allele frequency attached by ClinVar (database versions not stated): gnomAD exomes 0.00002 and 0.00003; ExAC 0.00004; TOPMed 0.00007; gnomAD 0.00010; ESP Exome Variant Server 0.00015; 1000 Genomes Project 0.00020; 1000 Genomes Project 30x 0.00031.

Submission:

Labcorp Genetics (formerly Invitae), Labcorp
Classification: Uncertain significance for Dystonic disorder. Last evaluated: 2024-05-26. Review status: criteria provided, single submitter. Criteria: Invitae Variant Classification Sherloc (09022015). Collection method: clinical testing. Allele origin: germline.
Comment: This sequence change replaces arginine, which is basic and polar, with tryptophan, which is neutral and slightly polar, at codon 179 of the CIZ1 protein (p.Arg179Trp). This variant is present in population databases (rs150582882, gnomAD 0.03%). This variant has not been reported in the literature in individuals affected with CIZ1-related conditions. ClinVar contains an entry for this variant (Variation ID: 1409417). An algorithm developed to predict the effect of missense changes on protein structure and function (PolyPhen-2) suggests that this variant is likely to be disruptive. In summary, the available evidence is currently insufficient to determine the role of this variant in disease. Therefore, it has been classified as a Variant of Uncertain Significance.